The following is an entry in ClinVar:

ClinVar aggregate classification (germline): Uncertain significance. Review status: criteria provided, multiple submitters, no conflicts (2 of 4 stars). 3 submissions from 3 submitters: Uncertain significance (2). 1 of the submissions does not count toward it. Last evaluated 2026-01-05.

Conditions:
Inborn genetic diseases. Identifiers: MedGen C0950123, MeSH D030342.
TMEM240-related disorder. Also called: TMEM240-related condition.

Allele frequency attached by ClinVar (database versions not stated): TOPMed 0.00003; gnomAD 0.00001.

Submissions (3):

Labcorp Genetics (formerly Invitae), Labcorp
Classification: Uncertain significance. Last evaluated: 2026-01-05. Review status: criteria provided, single submitter. Criteria: Invitae Variant Classification Sherloc (09022015). Collection method: clinical testing. Allele origin: germline.
Comment: This sequence change replaces arginine, which is basic and polar, with tryptophan, which is neutral and slightly polar, at codon 143 of the TMEM240 protein (p.Arg143Trp). This variant is present in population databases (no rsID available, gnomAD 0.01%). This variant has not been reported in the literature in individuals affected with TMEM240-related conditions. ClinVar contains an entry for this variant (Variation ID: 2403158). An algorithm developed to predict the effect of missense changes on protein structure and function (PolyPhen-2) suggests that this variant is likely to be disruptive. In summary, the available evidence is currently insufficient to determine the role of this variant in disease. Therefore, it has been classified as a Variant of Uncertain Significance.

Ambry Genetics
Classification: Uncertain significance for Inborn genetic diseases. Last evaluated: 2022-11-08. Review status: criteria provided, single submitter. Criteria: Ambry Variant Classification Scheme 2023. Collection method: clinical testing. Allele origin: germline.

PreventionGenetics, part of Exact Sciences
Classification: Uncertain significance for TMEM240-related condition. Last evaluated: 2024-05-30. Review status: no assertion criteria provided. Collection method: clinical testing. Allele origin: germline. Not counted in ClinVar's aggregate classification.
Comment: The TMEM240 c.427C>T variant is predicted to result in the amino acid substitution p.Arg143Trp. To our knowledge, this variant has not been reported in the literature. This variant is reported in 0.0059% of alleles in individuals of European (non-Finnish) descent in gnomAD. At this time, the clinical significance of this variant is uncertain due to the absence of conclusive functional and genetic evidence.

NM_001114748.2(TMEM240):c.427C>T (p.Arg143Trp)

Gene: TMEM240 (transmembrane protein 240; minus strand). Cytogenetic location: 1p36.33.
Variant type: single nucleotide variant.
Coding change: c.427C>T on transcript NM_001114748.2 (MANE Select); coding-DNA position 427, C replaced by T.
Protein change: p.Arg143Trp; replaces arginine 143 with tryptophan.
Molecular consequence: missense variant.
Genome position (GRCh38, 1-based): chr1:1,535,454, G>A on the plus strand (C>T on the coding strand, the complement: TMEM240 is on the minus strand). VCF-style: chr1-1535454-G-A. GRCh37 (hg19) VCF-style: chr1-1470834-G-A.
Other names: short protein forms R143W.
Identifiers: ClinVar variation 2403158 (VCV002403158.6), dbSNP rs1026446550, ClinGen allele CA16796641.